The following is an entry in ClinVar:

NM_032043.3(BRIP1):c.1518A>G (p.Pro506=)

Gene: BRIP1 (BRCA1 interacting DNA helicase 1; minus strand). Cytogenetic location: 17q23.2.
Variant type: single nucleotide variant.
Coding change: c.1518A>G on transcript NM_032043.3 (MANE Select); coding-DNA position 1518, A replaced by G.
Protein change: p.Pro506=; no amino-acid change (proline 506 retained).
Molecular consequence: synonymous variant.
Genome position (GRCh38, 1-based): chr17:61,784,380, T>C on the plus strand (A>G on the coding strand, the complement: BRIP1 is on the minus strand). VCF-style: chr17-61784380-T-C. GRCh37 (hg19) VCF-style: chr17-59861741-T-C.
Identifiers: ClinVar variation 760562 (VCV000760562.13), dbSNP rs1603337002, ClinGen allele CA501150766.

ClinVar aggregate classification (germline): Benign/Likely benign. Review status: criteria provided, multiple submitters, no conflicts (2 of 4 stars). 3 submissions from 3 submitters: Benign (1); Likely benign (2). Last evaluated 2025-05-18.

Conditions:
Hereditary cancer-predisposing syndrome. Also called: Tumor predisposition; Hereditary Cancer Syndrome; Neoplastic Syndromes, Hereditary; Hereditary neoplastic syndrome. Identifiers: Orphanet 140162, MedGen C0027672, MeSH D009386, MONDO:0015356.
Fanconi anemia complementation group J. Also called: BRIP1-Related Fanconi Anemia. Identifiers: Orphanet 84, MedGen C1836860, MONDO:0012187, OMIM 609054.
Familial cancer of breast. Also called: Hereditary breast cancer; BREAST CANCER, FAMILIAL; hereditary breast carcinoma. Identifiers: Orphanet 227535, MedGen C0346153, MONDO:0016419, OMIM 114480. Disease mechanism: loss of function.

Submissions (3):

Ambry Genetics
Classification: Likely benign for Hereditary cancer-predisposing syndrome. Last evaluated: 2025-05-18. Review status: criteria provided, single submitter. Criteria: Ambry Variant Classification Scheme 2023. Collection method: clinical testing. Allele origin: germline.

Labcorp Genetics (formerly Invitae), Labcorp
Classification: Likely benign for Familial cancer of breast; Fanconi anemia complementation group J. Last evaluated: 2024-10-15. Review status: criteria provided, single submitter. Criteria: Invitae Variant Classification Sherloc (09022015). Collection method: clinical testing. Allele origin: germline.

Myriad Genetics, Inc.
Classification: Benign for Familial cancer of breast. Last evaluated: 2024-08-28. Review status: criteria provided, single submitter. Criteria: Myriad Autosomal Dominant, Autosomal Recessive and X-Linked Classification Criteria (2023). Collection method: clinical testing. Allele origin: unknown.
Comment: This variant is considered benign. This variant is a silent/synonymous amino acid change and it is not expected to impact splicing.